The following is an entry in ClinVar:

ClinVar aggregate classification (germline): Likely pathogenic (1 of 4 stars; one submission).

Conditions:
Dilated cardiomyopathy 1G (CMD1G). Identifiers: Orphanet 154, MedGen C1858763, MONDO:0011400, OMIM 604145.

Submission:

Juno Genomics, Hangzhou Juno Genomics, Inc
Classification: Likely pathogenic for Dilated cardiomyopathy 1G. Review status: criteria provided, single submitter. Criteria: ACMG Guidelines, 2015. Collection method: clinical testing. Allele origin: germline.
Comment: Absent from controls (or at extremely low frequency if recessive) in Genome Aggregation Database.;Null variant in a gene where loss of function (LOF) is a known mechanism of disease.

NM_001267550.2(TTN):c.86861del (p.Ile28954fs)

Genes: TTN (titin; minus strand), TTN-AS1 (TTN antisense RNA 1; plus strand). Cytogenetic location: 2q31.2.
Variant type: Deletion.
Coding change: c.86861del on transcript NM_001267550.2 (MANE Select); coding-DNA position 86861, one base deleted (T; older notation c.86861delT).
Protein change: p.Ile28954fs; shifts the reading frame from isoleucine 28954.
Molecular consequence: frameshift variant.
Genome position (GRCh38, 1-based): chr2:178,558,598, A deleted on the plus strand (T on the coding strand, the reverse complement: TTN is on the minus strand). VCF-style (leftmost placement, unchanged base first): chr2-178558597-TA-T. GRCh37 (hg19) VCF-style: chr2-179423324-TA-T.
Other names: c.81938del, p.Ile27313fs (NM_001256850.1); c.59666del, p.Ile19889fs (NM_003319.4); c.79157del, p.Ile26386fs (NM_133378.4); c.60041del, p.Ile20014fs (NM_133432.3); c.60242del, p.Ile20081fs (NM_133437.4); short protein forms I19889fs, I20014fs, I20081fs, I26386fs, I27313fs, I28954fs.
Identifiers: ClinVar variation 3382412 (VCV003382412.3).